The following is an entry in ClinVar:

ClinVar aggregate classification (germline): Likely pathogenic (1 of 4 stars; one submission).

Conditions:
3-methylglutaconic aciduria type 5. Also called: CARDIOMYOPATHY, DILATED, WITH ATAXIA; MGA, TYPE V; 3 alpha methylglutaconic aciduria type V; MGA 5. Identifiers: Orphanet 66634, MedGen C1857776, MONDO:0012435, OMIM 610198.

Allele frequency attached by ClinVar (database versions not stated): gnomAD exomes below 0.00001.
gnomAD v4.1: 1 of 1,614,122 alleles (0.000062%); highest among the groups gnomAD compares: Non-Finnish European, 0.000085%; no homozygotes.

Submissions (3):

Labcorp Genetics (formerly Invitae), Labcorp
Classification: Likely pathogenic for 3-methylglutaconic aciduria type 5. Last evaluated: 2025-07-21. Review status: criteria provided, single submitter. Criteria: Invitae Variant Classification Sherloc (09022015). Collection method: clinical testing. Allele origin: germline.
Comment: This sequence change affects a donor splice site in intron 3 of the DNAJC19 gene. It is expected to disrupt RNA splicing. Variants that disrupt the donor or acceptor splice site typically lead to a loss of protein function (PMID: 16199547), and loss-of-function variants in DNAJC19 are known to be pathogenic (PMID: 16055927, 27928778). This variant is not present in population databases (gnomAD no frequency). This variant has not been reported in the literature in individuals affected with DNAJC19-related conditions. ClinVar contains an entry for this variant (Variation ID: 1691439). Algorithms developed to predict the effect of sequence changes on RNA splicing suggest that this variant may disrupt the consensus splice site. In summary, the currently available evidence indicates that the variant is pathogenic, but additional data are needed to prove that conclusively. Therefore, this variant has been classified as Likely Pathogenic.

Dr. Peter K. Rogan Lab, Western University
No classification provided (evidence only). Condition: Malignant tumor of esophagus. Review status: no classification provided. Collection method: in vitro. Allele origin: not applicable. Functional consequence: skipped exon, retained intron. Not counted in ClinVar's aggregate classification.

MutSpliceDB: a database of splice sites variants effects on splicing, NIH
No classification provided (evidence only). Review status: no classification provided. Collection method: in vivo. Allele origin: not applicable. Functional consequence: retained intron. Not counted in ClinVar's aggregate classification.

Literature cited by the submitters: PubMed 16199547 (cited by Labcorp Genetics (formerly Invitae), Labcorp); PubMed 16055927 (cited by Labcorp Genetics (formerly Invitae), Labcorp); PubMed 27928778 (cited by Labcorp Genetics (formerly Invitae), Labcorp).

NM_145261.4(DNAJC19):c.129+1G>A

Gene: DNAJC19 (DnaJ heat shock protein family (Hsp40) member C19; minus strand). Cytogenetic location: 3q26.33.
Variant type: single nucleotide variant.
Coding change: c.129+1G>A on transcript NM_145261.4 (MANE Select); the canonical splice donor site of the intron after coding-DNA position 129, G replaced by A.
Molecular consequence: splice donor variant.
Genome position (GRCh38, 1-based): chr3:180,988,022, C>T on the plus strand (G>A on the coding strand, the complement: DNAJC19 is on the minus strand). VCF-style: chr3-180988022-C-T. GRCh37 (hg19) VCF-style: chr3-180705810-C-T.
Other names: NM_145261.4:c.129+1G>A; NC_000003.11:g.180705810C>T; c.54+1G>A (NM_001190233.2).
Identifiers: ClinVar variation 1691439 (VCV001691439.6), dbSNP rs1003922271, ClinGen allele CA89106660.